The following is an entry in ClinVar:

NM_001291303.3(FAT4):c.13388C>T (p.Thr4463Ile)

Gene: FAT4 (FAT atypical cadherin 4; plus strand). Cytogenetic location: 4q28.1.
Variant type: single nucleotide variant.
Coding change: c.13388C>T on transcript NM_001291303.3 (MANE Select); coding-DNA position 13388, C replaced by T.
Protein change: p.Thr4463Ile; replaces threonine 4463 with isoleucine.
Molecular consequence: missense variant.
Genome position (GRCh38, 1-based): chr4:125,490,204, C>T. VCF-style: chr4-125490204-C-T. GRCh37 (hg19) VCF-style: chr4-126411359-C-T.
Other names: c.13385C>T, p.Thr4462Ile (NM_001291285.3); c.13382C>T, p.Thr4461Ile (NM_024582.6); c.13388C>T (NM_001291303.1); c.13382C>T (NM_024582.4); short protein forms T4461I, T4462I, T4463I.
Identifiers: ClinVar variation 1061487 (VCV001061487.6), dbSNP rs199971037, ClinGen allele CA3074358.

ClinVar aggregate classification (germline): Uncertain significance. Review status: criteria provided, multiple submitters, no conflicts (2 of 4 stars). 4 submissions from 4 submitters: Uncertain significance (4). Last evaluated 2025-11-06.

Conditions:
Inborn genetic diseases. Identifiers: MedGen C0950123, MeSH D030342.
Van Maldergem syndrome 2 (VMLDS2). Identifiers: Orphanet 314679, MedGen C3809875, MONDO:0014242, OMIM 615546.
Hennekam lymphangiectasia-lymphedema syndrome 2 (HKLLS2). Identifiers: Orphanet 2136, MedGen C4014939, MONDO:0014454, OMIM 616006.
FAT4-related disorder. Also called: FAT4-related condition.

Allele frequency attached by ClinVar (database versions not stated): gnomAD exomes 0.00006; ExAC 0.00007; gnomAD 0.00011; TOPMed 0.00011; 1000 Genomes Project 30x 0.00016; 1000 Genomes Project 0.00020.
gnomAD v4.1: 176 of 1,614,090 alleles (0.011%); highest among the groups gnomAD compares: Middle Eastern, 0.13%; 1 homozygote.

Submissions (4):

Clinical Genomics Laboratory, Washington University in St. Louis
Classification: Uncertain significance for Van Maldergem syndrome 2; Hennekam lymphangiectasia-lymphedema syndrome 2. Last evaluated: 2025-11-06. Review status: criteria provided, single submitter. Criteria: ACMG Guidelines, 2015. Collection method: clinical testing. Allele origin: germline.
Comment: A FAT4 c.13388C>T (p.Thr4463Ile) variant was identified at a near heterozygous allelic fraction of 47.8%, a frequency which may be consistent with it being of germline origin. The FAT4 c.13388C>T (p.Thr4463Ile) variant, to our knowledge, has not been reported in the medical literature. This variant is observed in 176/1,614,090 alleles in the general population (gnomAD v4.1.0), including one homozygous individual. This variant has been reported in the ClinVar database as a germline variant of uncertain significance by three submitters (ClinVar ID: 1061487). Computational predictors suggest that the variant does not impact FAT4 function. Due to limited information, and based on ACMG/AMP guidelines for variant interpretation (Richards S et al., PMID: 25741868), the clinical significance of this variant is uncertain at this time.

PreventionGenetics, part of Exact Sciences
Classification: Uncertain significance for FAT4-related condition. Last evaluated: 2023-06-14. Review status: criteria provided, single submitter. Criteria: ACMG Guidelines, 2015. Collection method: clinical testing. Allele origin: germline.
Comment: The FAT4 c.13388C>T variant is predicted to result in the amino acid substitution p.Thr4463Ile. To our knowledge, this variant has not been reported in the literature. This variant is reported in 0.011% of alleles in individuals of European (Non-Finnish) descent in gnomAD. At this time, the clinical significance of this variant is uncertain due to the absence of conclusive functional and genetic evidence.

Labcorp Genetics (formerly Invitae), Labcorp
Classification: Uncertain significance. Last evaluated: 2022-08-21. Review status: criteria provided, single submitter. Criteria: Invitae Variant Classification Sherloc (09022015). Collection method: clinical testing. Allele origin: germline.
Comment: This sequence change replaces threonine, which is neutral and polar, with isoleucine, which is neutral and non-polar, at codon 4461 of the FAT4 protein (p.Thr4461Ile). This variant is present in population databases (rs199971037, gnomAD 0.01%). This variant has not been reported in the literature in individuals affected with FAT4-related conditions. ClinVar contains an entry for this variant (Variation ID: 1061487). Advanced modeling of protein sequence and biophysical properties (such as structural, functional, and spatial information, amino acid conservation, physicochemical variation, residue mobility, and thermodynamic stability) performed at Invitae indicates that this missense variant is not expected to disrupt FAT4 protein function. In summary, the available evidence is currently insufficient to determine the role of this variant in disease. Therefore, it has been classified as a Variant of Uncertain Significance.

Ambry Genetics
Classification: Uncertain significance for Inborn genetic diseases. Last evaluated: 2022-05-25. Review status: criteria provided, single submitter. Criteria: Ambry Variant Classification Scheme 2023. Collection method: clinical testing. Allele origin: germline.

Literature cited by the submitters: uncertain (cited by Clinical Genomics Laboratory, Washington University in St. Louis).